The following is an entry in ClinVar:

ClinVar aggregate classification (germline): Uncertain significance. Review status: criteria provided, multiple submitters, no conflicts (2 of 4 stars). 2 submissions from 2 submitters: Uncertain significance (2). Last evaluated 2024-01-08.

Conditions:
Long QT syndrome (LQTS). Identifiers: MedGen C0023976, MeSH D008133, MONDO:0002442. Disease mechanism: loss of function. Inheritance: Various modes of inheritance.
Cardiac arrhythmia. Also called: Arrhythmia; Cardiac rhythm disease. Identifiers: MedGen C0003811, MONDO:0007263, HP:0011675.

Submissions (2):

All of Us Research Program, National Institutes of Health
Classification: Uncertain significance for Long QT syndrome. Last evaluated: 2024-01-08. Review status: criteria provided, single submitter. Criteria: ACMG Guidelines, 2015. Collection method: clinical testing. Allele origin: germline. Inheritance: Autosomal dominant inheritance. Observed: 1 variant allele, 1 heterozygote.
Comment: This missense variant replaces isoleucine with methionine at codon 663 of the KCNH2 protein. Computational prediction suggests that this variant may have deleterious impact on protein structure and function (internally defined REVEL score threshold >= 0.7, PMID: 27666373). To our knowledge, functional studies have not been reported for this variant. This variant has not been reported in individuals affected with KCNH2-related disorders in the literature. This variant has not been identified in the general population by the Genome Aggregation Database (gnomAD). The available evidence is insufficient to determine the role of this variant in disease conclusively. Therefore, this variant is classified as a Variant of Uncertain Significance.

This study involves interpretation of variants in research participants for the purpose of population health screening. Participant phenotype was not available at the time of variant classification. Additional details can be found in publication PMID: 35346344, PMCID: PMC8962531

Color Diagnostics, LLC DBA Color Health
Classification: Uncertain significance for Cardiac arrhythmia. Last evaluated: 2023-11-15. Review status: criteria provided, single submitter. Criteria: ACMG Guidelines, 2015. Collection method: clinical testing. Allele origin: germline.
Comment: This missense variant replaces isoleucine with methionine at codon 663 of the KCNH2 protein. Computational prediction suggests that this variant may have deleterious impact on protein structure and function (internally defined REVEL score threshold >= 0.7, PMID: 27666373). To our knowledge, functional studies have not been reported for this variant. This variant has not been reported in individuals affected with KCNH2-related disorders in the literature. This variant has not been identified in the general population by the Genome Aggregation Database (gnomAD). The available evidence is insufficient to determine the role of this variant in disease conclusively. Therefore, this variant is classified as a Variant of Uncertain Significance.

NM_000238.4(KCNH2):c.1989C>G (p.Ile663Met)

Gene: KCNH2 (potassium voltage-gated channel subfamily H member 2; minus strand). Cytogenetic location: 7q36.1.
Variant type: single nucleotide variant.
Coding change: c.1989C>G on transcript NM_000238.4 (MANE Select); coding-DNA position 1989, C replaced by G.
Protein change: p.Ile663Met; replaces isoleucine 663 with methionine.
Molecular consequence: missense variant. On other transcripts: non-coding transcript variant (2).
Genome position (GRCh38, 1-based): chr7:150,951,077, G>C on the plus strand (C>G on the coding strand, the complement: KCNH2 is on the minus strand). VCF-style: chr7-150951077-G-C. GRCh37 (hg19) VCF-style: chr7-150648165-G-C.
Other names: c.969C>G, p.Ile323Met (NM_001204798.2, NM_172057.3); c.1701C>G, p.Ile567Met (NM_001406753.1, NM_001406756.1); c.1812C>G, p.Ile604Met (NM_001406755.1); c.1689C>G, p.Ile563Met (NM_001406757.1); c.1989C>G, p.Ile663Met (NM_172056.3); short protein forms I323M, I563M, I567M, I604M, I663M.
Identifiers: ClinVar variation 3075242 (VCV003075242.2), dbSNP rs2486031864, ClinGen allele CA369857702.
Genomic context (GRCh38, chr7:150,951,077, plus strand): 5'-GAACTCCCGCACCCGCAGCATCTGTGTGTGGTAGCGGGCTGTGCCCGAGTACAGCCGCTG[G>C]ATGATGGCCGACACGTTGCCGAAGATGCTAGCATACATGAGGGCTGGGGGCGTGGGCACG-3'
Protein context (NP_000229.1, residues 653-673): ASIFGNVSAI[Ile663Met]QRLYSGTARY